The following is an entry in ClinVar:

NM_017780.4(CHD7):c.8594C>T (p.Ser2865Leu)

Gene: CHD7 (chromodomain helicase DNA binding protein 7; plus strand). Cytogenetic location: 8q12.2.
Variant type: single nucleotide variant.
Coding change: c.8594C>T on transcript NM_017780.4 (MANE Select); coding-DNA position 8594, C replaced by T.
Protein change: p.Ser2865Leu; replaces serine 2865 with leucine.
Molecular consequence: missense variant.
Genome position (GRCh38, 1-based): chr8:60,865,533, C>T. VCF-style: chr8-60865533-C-T. GRCh37 (hg19) VCF-style: chr8-61778092-C-T.
Other names: c.2447C>T, p.Ser816Leu (NM_001316690.1); short protein forms S2865L, S816L.
Identifiers: ClinVar variation 588696 (VCV000588696.18), dbSNP rs147534616, ClinGen allele CA4761036.
Genomic context (GRCh38, chr8:60,865,533, plus strand): 5'-AGAAAGGAAATGAGAATGAAGACGAGAACAAAGACTCTGAGAAAAGCACAGATGCTGTTT[C>T]GGCTGCTGACTCTGCGAATGGATCTGTTGGTGCTGCTACTGCCCCGGCTGGATTGCCCTC-3'
Protein context (NP_060250.2, residues 2855-2875): KDSEKSTDAV[Ser2865Leu]AADSANGSVG

ClinVar aggregate classification (germline): Conflicting classifications of pathogenicity. Review status: criteria provided, conflicting classifications (1 of 4 stars). 3 submissions from 3 submitters: Uncertain significance (1); Benign (1); Likely benign (1). Last evaluated 2024-12-19.

Conditions:
CHARGE syndrome (CHARGE). Also called: Coloboma, heart anomaly, choanal atresia, retardation, genital and ear anomalies; CHARGE association; Hall-Hittner syndrome; Hittner Hirsch Kreh syndrome; CHARGE ASSOCIATION--COLOBOMA, HEART ANOMALY, CHOANAL ATRESIA, RETARDATION, GENITAL AND EAR ANOMALIES. Identifiers: Orphanet 138, MedGen C0265354, MONDO:0008965.
Inborn genetic diseases. Identifiers: MedGen C0950123, MeSH D030342.

Allele frequency attached by ClinVar (database versions not stated): gnomAD 0.00002; gnomAD exomes 0.00002 and 0.00003; TOPMed 0.00002; ESP Exome Variant Server 0.00008; 1000 Genomes Project 30x 0.00016; 1000 Genomes Project 0.00020; ExAC 0.00002.
gnomAD v4.1: 45 of 1,614,064 alleles (0.0028%); highest among the groups gnomAD compares: East Asian, 0.0045%; no homozygotes.

Submissions (3):

Labcorp Genetics (formerly Invitae), Labcorp
Classification: Benign for CHARGE syndrome. Last evaluated: 2024-12-19. Review status: criteria provided, single submitter. Criteria: Invitae Variant Classification Sherloc (09022015). Collection method: clinical testing. Allele origin: germline.

Ambry Genetics
Classification: Uncertain significance for Inborn genetic diseases. Last evaluated: 2021-09-15. Review status: criteria provided, single submitter. Criteria: Ambry Variant Classification Scheme 2023. Collection method: clinical testing. Allele origin: germline.

Laboratory for Molecular Medicine, Mass General Brigham Personalized Medicine
Classification: Likely benign. Last evaluated: 2019-02-15. Review status: criteria provided, single submitter. Criteria: LMM Criteria. Collection method: clinical testing. Allele origin: germline. Observed: 1 variant allele.
Comment: The p.Ser2865Leu variant in CHD7 is classified as likely benign due to a lack of conservation across species. Four mammals (Cape elephant shrew, Cape golden mole, tenrec, aardvark) carry a leucine (Leu) at this position despite high nearby amino acid conservation. It has been identified in 2/19534 East Asian chromosomes by gnomAD. ACMG/AMP Criteria applied: BP4_Strong.